The following is an entry in ClinVar:

NM_001001957.2(OR2W3):c.115C>A (p.Leu39Ile)

Gene: OR2W3 (olfactory receptor family 2 subfamily W member 3; plus strand). Cytogenetic location: 1q44.
Variant type: single nucleotide variant.
Coding change: c.115C>A on transcript NM_001001957.2 (MANE Select); coding-DNA position 115, C replaced by A.
Protein change: p.Leu39Ile; replaces leucine 39 with isoleucine.
Molecular consequence: missense variant.
Genome position (GRCh38, 1-based): chr1:247,895,701, C>A. VCF-style: chr1-247895701-C-A. GRCh37 (hg19) VCF-style: chr1-248059003-C-A.
Other names: short protein forms L39I.
Identifiers: ClinVar variation 1935207 (VCV001935207.5), dbSNP rs1393042799, ClinGen allele CA345591223.

ClinVar aggregate classification (germline): Uncertain significance (1 of 4 stars; one submission).

Allele frequency attached by ClinVar (database versions not stated): gnomAD exomes below 0.00001; gnomAD 0.00001; TOPMed 0.00002.
gnomAD v4.1: 4 of 1,613,804 alleles (0.00025%); highest among the groups gnomAD compares: Admixed American, 0.0017%; no homozygotes.

Submission:

Labcorp Genetics (formerly Invitae), Labcorp
Classification: Uncertain significance. Last evaluated: 2024-06-25. Review status: criteria provided, single submitter. Criteria: Invitae Variant Classification Sherloc (09022015). Collection method: clinical testing. Allele origin: germline.
Comment: This sequence change replaces leucine, which is neutral and non-polar, with isoleucine, which is neutral and non-polar, at codon 39 of the OR2W3 protein (p.Leu39Ile). This variant is not present in population databases (gnomAD no frequency). This variant has not been reported in the literature in individuals affected with OR2W3-related conditions. ClinVar contains an entry for this variant (Variation ID: 1935207). Algorithms developed to predict the effect of missense changes on protein structure and function output the following: SIFT: "Not Available"; PolyPhen-2: "Benign"; Align-GVGD: "Not Available". The isoleucine amino acid residue is found in multiple mammalian species, which suggests that this missense change does not adversely affect protein function. In summary, the available evidence is currently insufficient to determine the role of this variant in disease. Therefore, it has been classified as a Variant of Uncertain Significance.